The following is an entry in ClinVar:

ClinVar aggregate classification (germline): Benign/Likely benign. Review status: criteria provided, multiple submitters, no conflicts (2 of 4 stars). 4 submissions from 4 submitters: Benign (2); Likely benign (2). Last evaluated 2026-01-20.

Conditions:
Radial aplasia-thrombocytopenia syndrome (TAR). Also called: TAR syndrome; Thrombocytopenia Absent Radius Syndrome. Identifiers: Orphanet 3320, MedGen C0175703, MeSH C536940, MONDO:0010121, OMIM 274000.

Allele frequency attached by ClinVar (database versions not stated): 1000 Genomes Project 30x 0.00016; TOPMed 0.00016; 1000 Genomes Project 0.00020; ESP Exome Variant Server 0.00023; ExAC 0.00058; gnomAD 0.00080 and 0.00086; gnomAD exomes 0.00081.
gnomAD v4.1: 797 of 1,614,078 alleles (0.049%); highest among the groups gnomAD compares: Non-Finnish European, 0.025%; 2 homozygotes.

Submissions (4):

Labcorp Genetics (formerly Invitae), Labcorp
Classification: Benign for Radial aplasia-thrombocytopenia syndrome. Last evaluated: 2026-01-20. Review status: criteria provided, single submitter. Criteria: Invitae Variant Classification Sherloc (09022015). Collection method: clinical testing. Allele origin: germline.

Blueprint Genetics
Classification: Benign. Last evaluated: 2024-10-08. Review status: criteria provided, single submitter. Criteria: ACMG Guidelines, 2015. Collection method: clinical testing. Allele origin: germline.

CeGaT Center for Human Genetics Tuebingen
Classification: Likely benign. Last evaluated: 2023-03-01. Review status: criteria provided, single submitter. Criteria: CeGaT Center For Human Genetics Tuebingen Variant Classification Criteria Version 2. Collection method: clinical testing. Allele origin: germline. Affected: yes. Observed: 1 variant allele.
Comment: RBM8A: BP4, BP7

Genetic Services Laboratory, University of Chicago
Classification: Likely benign. Last evaluated: 2016-12-09. Review status: criteria provided, single submitter. Criteria: ACMG Guidelines, 2015. Collection method: clinical testing. Allele origin: germline. Affected: no.

NM_005105.5(RBM8A):c.318C>T (p.Leu106=)

Genes: RBM8A (RNA binding motif protein 8A; minus strand), LOC126805851 (MED14-independent group 3 enhancer GRCh37_chr1:145507474-145508673; plus strand). Cytogenetic location: 1q21.1.
Variant type: single nucleotide variant.
Coding change: c.318C>T on transcript NM_005105.5 (MANE Select); coding-DNA position 318, C replaced by T.
Protein change: p.Leu106=; no amino-acid change (leucine 106 retained).
Molecular consequence: synonymous variant.
Genome position (GRCh38, 1-based): chr1:145,926,506, G>A on the plus strand (C>T on the coding strand, the complement: RBM8A is on the minus strand). VCF-style: chr1-145926506-G-A. GRCh37 (hg19) VCF-style: chr1-145508587-C-T.
Identifiers: ClinVar variation 436518 (VCV000436518.41), dbSNP rs139097271, ClinGen allele CA1055329.